The following is an entry in ClinVar:

NM_173598.6(KSR2):c.920C>T (p.Ala307Val)

Gene: KSR2 (kinase suppressor of ras 2; minus strand). Cytogenetic location: 12q24.23.
Variant type: single nucleotide variant.
Coding change: c.920C>T on transcript NM_173598.6 (MANE Select); coding-DNA position 920, C replaced by T.
Protein change: p.Ala307Val; replaces alanine 307 with valine.
Molecular consequence: missense variant.
Genome position (GRCh38, 1-based): chr12:117,761,077, G>A on the plus strand (C>T on the coding strand, the complement: KSR2 is on the minus strand). VCF-style: chr12-117761077-G-A. GRCh37 (hg19) VCF-style: chr12-118198882-G-A.
Other names: short protein forms A307V.
Identifiers: ClinVar variation 2593269 (VCV002593269.3), dbSNP rs756996528, ClinGen allele CA6816230.

ClinVar aggregate classification (germline): Uncertain significance. Review status: criteria provided, multiple submitters, no conflicts (2 of 4 stars). 2 submissions from 2 submitters: Uncertain significance (2). Last evaluated 2026-09-16.

Conditions:
KSR2-related disorder. Also called: KSR2-related condition.

Allele frequency attached by ClinVar (database versions not stated): gnomAD 0.00001; TOPMed 0.00001; ExAC 0.00006.
gnomAD v4.1: 26 of 1,613,798 alleles (0.0016%); highest among the groups gnomAD compares: Admixed American, 0.01%; no homozygotes.

Submissions (2):

PreventionGenetics, part of Exact Sciences
Classification: Uncertain significance for KSR2-related condition. Last evaluated: 2026-09-16. Review status: criteria provided, single submitter. Criteria: ACMG Guidelines, 2015. Collection method: clinical testing. Allele origin: germline.
Comment: The KSR2 c.833C>T variant is predicted to result in the amino acid substitution p.Ala278Val. To our knowledge, this variant has not been reported in the literature. This variant is reported in 0.020% of alleles in individuals of Latino descent in gnomAD. At this time, the clinical significance of this variant is uncertain due to the absence of conclusive functional and genetic evidence.

Ambry Genetics
Classification: Uncertain significance. Last evaluated: 2023-08-19. Review status: criteria provided, single submitter. Criteria: Ambry Variant Classification Scheme 2023. Collection method: clinical testing. Allele origin: germline.